The following is an entry in ClinVar:

NM_002645.4(PIK3C2A):c.1552G>A (p.Ala518Thr)

Gene: PIK3C2A (phosphatidylinositol-4-phosphate 3-kinase catalytic subunit type 2 alpha; minus strand). Cytogenetic location: 11p15.1.
Variant type: single nucleotide variant.
Coding change: c.1552G>A on transcript NM_002645.4 (MANE Select); coding-DNA position 1552, G replaced by A.
Protein change: p.Ala518Thr; replaces alanine 518 with threonine.
Molecular consequence: missense variant.
Genome position (GRCh38, 1-based): chr11:17,147,525, C>T on the plus strand (G>A on the coding strand, the complement: PIK3C2A is on the minus strand). VCF-style: chr11-17147525-C-T. GRCh37 (hg19) VCF-style: chr11-17169072-C-T.
Other names: c.1552G>A, p.Ala518Thr (NM_001321378.2, NM_001386870.1); c.412G>A, p.Ala138Thr (NM_001321380.2); c.1552G>A (NM_002645.3); short protein forms A138T, A518T.
Identifiers: ClinVar variation 2190654 (VCV002190654.5), dbSNP rs372724550, ClinGen allele CA5901339.
Genomic context (GRCh38, chr11:17,147,525, plus strand): 5'-AGAATTATTCAGATTCAAACAAATGGAATTCAGTTATGAGGTACACACTTACTGTTCGGG[C>T]CAGATTTTGACACATTGCACTGAAGGTCAAGAGTTGTAGTCTAATTTCTGTGTCCCATTT-3'
Protein context (NP_002636.2, residues 508-528): LTFSAMCQNL[Ala518Thr]RTAEDDETPV

ClinVar aggregate classification (germline): Uncertain significance. Review status: criteria provided, multiple submitters, no conflicts (2 of 4 stars). 2 submissions from 2 submitters: Uncertain significance (2). Last evaluated 2024-12-09.

Allele frequency attached by ClinVar (database versions not stated): ExAC 0.00007; gnomAD 0.00007; ESP Exome Variant Server 0.00008; TOPMed 0.00008.
gnomAD v4.1: 136 of 1,591,078 alleles (0.0085%); highest among the groups gnomAD compares: Non-Finnish European, 0.011%; no homozygotes.

Submissions (2):

Labcorp Genetics (formerly Invitae), Labcorp
Classification: Uncertain significance. Last evaluated: 2024-12-09. Review status: criteria provided, single submitter. Criteria: Invitae Variant Classification Sherloc (09022015). Collection method: clinical testing. Allele origin: germline.
Comment: This sequence change replaces alanine, which is neutral and non-polar, with threonine, which is neutral and polar, at codon 518 of the PIK3C2A protein (p.Ala518Thr). This variant is present in population databases (rs372724550, gnomAD 0.02%). This variant has not been reported in the literature in individuals affected with PIK3C2A-related conditions. ClinVar contains an entry for this variant (Variation ID: 2190654). An algorithm developed to predict the effect of missense changes on protein structure and function (PolyPhen-2) suggests that this variant is likely to be disruptive. In summary, the available evidence is currently insufficient to determine the role of this variant in disease. Therefore, it has been classified as a Variant of Uncertain Significance.

GeneDx
Classification: Uncertain significance. Last evaluated: 2024-12-02. Review status: criteria provided, single submitter. Criteria: GeneDx Variant Classification Process June 2021. Collection method: clinical testing. Allele origin: germline. Affected: yes.
Comment: In silico analysis supports that this missense variant has a deleterious effect on protein structure/function; Has not been previously published as pathogenic or benign to our knowledge